The following is an entry in ClinVar:

ClinVar aggregate classification (germline): Uncertain significance. Review status: criteria provided, multiple submitters, no conflicts (2 of 4 stars). 4 submissions from 4 submitters: Uncertain significance (3). 1 of the submissions does not count toward it. Last evaluated 2025-12-17.

Conditions:
Hereditary cancer-predisposing syndrome. Also called: Tumor predisposition; Hereditary neoplastic syndrome; Hereditary Cancer Syndrome; Neoplastic Syndromes, Hereditary. Identifiers: Orphanet 140162, MedGen C0027672, MeSH D009386, MONDO:0015356.
Familial cancer of breast. Also called: BREAST CANCER, FAMILIAL; Hereditary breast cancer; hereditary breast carcinoma. Identifiers: Orphanet 227535, MedGen C0346153, MONDO:0016419, OMIM 114480. Disease mechanism: loss of function.
Malignant tumor of breast. Also called: Malignant breast neoplasm; Cancer breast. Identifiers: MedGen C0006142, MONDO:0007254. Disease mechanism: loss of function.

Submissions (4):

Labcorp Genetics (formerly Invitae), Labcorp
Classification: Uncertain significance for Familial cancer of breast. Last evaluated: 2025-12-17. Review status: criteria provided, single submitter. Criteria: Invitae Variant Classification Sherloc (09022015). Collection method: clinical testing. Allele origin: germline.
Comment: This sequence change replaces isoleucine, which is neutral and non-polar, with asparagine, which is neutral and polar, at codon 299 of the CHEK2 protein (p.Ile299Asn). This variant is not present in population databases (gnomAD no frequency). This variant has not been reported in the literature in individuals affected with CHEK2-related conditions. ClinVar contains an entry for this variant (Variation ID: 1050644). An algorithm developed to predict the effect of missense changes on protein structure and function (PolyPhen-2) suggests that this variant is likely to be disruptive. In summary, the available evidence is currently insufficient to determine the role of this variant in disease. Therefore, it has been classified as a Variant of Uncertain Significance.

Ambry Genetics
Classification: Uncertain significance for Hereditary cancer-predisposing syndrome. Last evaluated: 2023-09-06. Review status: criteria provided, single submitter. Criteria: Ambry Variant Classification Scheme 2023. Collection method: clinical testing. Allele origin: germline.
Comment: The p.I299N variant (also known as c.896T>A), located in coding exon 7 of the CHEK2 gene, results from a T to A substitution at nucleotide position 896. The isoleucine at codon 299 is replaced by asparagine, an amino acid with dissimilar properties. This amino acid position is highly conserved in available vertebrate species. In addition, the in silico prediction for this alteration is inconclusive. Since supporting evidence is limited at this time, the clinical significance of this alteration remains unclear.

Color Diagnostics, LLC DBA Color Health
Classification: Uncertain significance for Hereditary cancer-predisposing syndrome. Last evaluated: 2023-02-28. Review status: criteria provided, single submitter. Criteria: ACMG Guidelines, 2015. Collection method: clinical testing. Allele origin: germline.
Comment: This missense variant replaces isoleucine with asparagine at codon 299 of the CHEK2 protein. Computational prediction suggests that this variant may have deleterious impact on protein structure and function (internally defined REVEL score threshold >= 0.7, PMID: 27666373). To our knowledge, functional studies have not been reported for this variant. This variant has been reported in an individual affected with breast cancer who also carried a likely pathogenic co-variant, CHEK2 c.320-1G>T (PMID: 32885271). This variant has not been identified in the general population by the Genome Aggregation Database (gnomAD). The available evidence is insufficient to determine the role of this variant in disease conclusively. Therefore, this variant is classified as a Variant of Uncertain Significance.

Department of Pathology and Laboratory Medicine, Sinai Health System
Classification: Uncertain significance for Malignant tumor of breast. Review status: no assertion criteria provided. Collection method: clinical testing. Allele origin: unknown. Affected: yes. Study: The Canadian Open Genetics Repository (COGR). Not counted in ClinVar's aggregate classification.
Comment: The CHEK2 p.Ile299Asn variant was not identified in the literature nor was it identified in the dbSNP, ClinVar and the Exome Aggregation Consortium (August 8th 2016), or the Genome Aggregation Database (Feb 27, 2017). The p.Ile299 residue is conserved in mammals but not in more distantly related organisms, and computational analyses (PolyPhen-2, SIFT, AlignGVGD, BLOSUM, MutationTaster) suggest that the variant may impact the protein; however, this information is not predictive enough to assume pathogenicity. The variant occurs outside of the splicing consensus sequence and in silico or computational prediction software programs (SpliceSiteFinder, MaxEntScan, NNSPLICE, GeneSplicer) do not predict a difference in splicing. In summary, based on the above information the clinical significance of this variant cannot be determined with certainty at this time. This variant is classified as a variant of uncertain significance.

Literature cited by the submitters: PubMed 32885271 (cited by Color Diagnostics, LLC DBA Color Health).

NM_007194.4(CHEK2):c.896T>A (p.Ile299Asn)

Gene: CHEK2 (checkpoint kinase 2; minus strand). Cytogenetic location: 22q12.1.
Variant type: single nucleotide variant.
Coding change: c.896T>A on transcript NM_007194.4 (MANE Select); coding-DNA position 896, T replaced by A.
Protein change: p.Ile299Asn; replaces isoleucine 299 with asparagine.
Molecular consequence: missense variant.
Genome position (GRCh38, 1-based): chr22:28,703,517, A>T on the plus strand (T>A on the coding strand, the complement: CHEK2 is on the minus strand). VCF-style: chr22-28703517-A-T. GRCh37 (hg19) VCF-style: chr22-29099505-A-T.
Other names: c.1025T>A, p.Ile342Asn (NM_001005735.3); c.233T>A, p.Ile78Asn (NM_001257387.3); c.695T>A, p.Ile232Asn (NM_001349956.3); c.896T>A, p.Ile299Asn (NM_145862.3); short protein forms I232N, I299N, I342N, I78N.
Identifiers: ClinVar variation 1050644 (VCV001050644.10), dbSNP rs876659870, ClinGen allele CA411100987.